The following is an entry in ClinVar:

NM_001370259.2(MEN1):c.684del (p.Met228fs)

Gene: MEN1 (menin 1; minus strand). Cytogenetic location: 11q13.1.
Variant type: Deletion.
Coding change: c.684del on transcript NM_001370259.2 (MANE Select); coding-DNA position 684, one base deleted (G; older notation c.684delG).
Protein change: p.Met228fs; shifts the reading frame from methionine 228.
Molecular consequence: frameshift variant.
Genome position (GRCh38, 1-based): chr11:64,807,651, C deleted on the plus strand (G on the coding strand, the reverse complement: MEN1 is on the minus strand). VCF-style (leftmost placement, unchanged base first): chr11-64807650-GC-G. GRCh37 (hg19) VCF-style: chr11-64575122-GC-G.
Other names: c.684delG (NM_130799.2); c.699del, p.Met233fs (NM_000244.4, NM_130800.3, NM_130801.3 and 3 more transcripts); c.684del, p.Met228fs (NM_001370251.2, NM_001370260.2, NM_001370261.2 and 1 more transcripts); c.579del, p.Met193fs (NM_001370262.2, NM_001370263.2); short protein forms M228fs, M193fs, M233fs.
Identifiers: ClinVar variation 422214 (VCV000422214.3), dbSNP rs1064795635, ClinGen allele CA16619362.
Genomic context (GRCh38, chr11:64,807,650, plus strand): 5'-GGTCAATGGAAGGGTTGATGGCACACACCATGAACGCCACCTCCATCTTGCGGTCACAGC[GC>G]ATGTATGATCCTTTCAGGTACAGCCAGCTCTTAGGGGGGGATGAGATCATTATGTCTCAT-3'

ClinVar aggregate classification (germline): Likely pathogenic (1 of 4 stars; one submission).

Submission:

GeneDx
Classification: Likely pathogenic. Last evaluated: 2016-09-07. Review status: criteria provided, single submitter. Criteria: GeneDx Variant Classification (06012015). Collection method: clinical testing. Allele origin: germline. Affected: yes.
Comment: This deletion of one nucleotide in MEN1 is denoted c.684delG at the cDNA level and p.Met228IlefsX53 (M228IfsX53) at the protein level. The normal sequence, with the base that is deleted in braces, is ACAT[G]CGCT. The deletion causes a frameshift which changes a Methionine to an Isoleucine at codon 228, and creates a premature stop codon at position 53 of the new reading frame. Although this variant has not, to our knowledge, been reported in the literature, it is predicted to cause loss of normal protein function through either protein truncation or nonsense-mediated mRNA decay. Based on the currently available information, we consider this deletion to be a likely pathogenic variant.